The following is an entry in ClinVar:

ClinVar aggregate classification (germline): Pathogenic (1 of 4 stars; one submission).

Conditions:
Spermatogenic failure 18. Identifiers: MedGen C4539783, MONDO:0054615, OMIM 617576.
Ciliary dyskinesia, primary, 37 (CILD37). Also called: CILIARY DYSKINESIA, PRIMARY, 37, WITH OR WITHOUT SITUS INVERSUS. Identifiers: MedGen C4539798, MONDO:0033204, OMIM 617577.

Submission:

Labcorp Genetics (formerly Invitae), Labcorp
Classification: Pathogenic for Ciliary dyskinesia, primary, 37; Spermatogenic failure 18. Last evaluated: 2023-05-23. Review status: criteria provided, single submitter. Criteria: Invitae Variant Classification Sherloc (09022015). Collection method: clinical testing. Allele origin: germline.
Comment: For these reasons, this variant has been classified as Pathogenic. Algorithms developed to predict the effect of sequence changes on RNA splicing suggest that this variant may create or strengthen a splice site. ClinVar contains an entry for this variant (Variation ID: 2418996). This variant has not been reported in the literature in individuals affected with DNAH1-related conditions. This variant is present in population databases (rs777765506, gnomAD 0.0009%). This sequence change creates a premature translational stop signal (p.Lys58Serfs*25) in the DNAH1 gene. It is expected to result in an absent or disrupted protein product. Loss-of-function variants in DNAH1 are known to be pathogenic (PMID: 27573432, 27798045).

Literature cited by the submitters: PubMed 27573432; PubMed 27798045.

NM_015512.5(DNAH1):c.171del (p.Lys58fs)

Gene: DNAH1 (dynein axonemal heavy chain 1; plus strand). Cytogenetic location: 3p21.1.
Variant type: Deletion.
Coding change: c.171del on transcript NM_015512.5 (MANE Select); coding-DNA position 171, one base deleted (C; older notation c.171delC).
Protein change: p.Lys58fs; shifts the reading frame from lysine 58.
Molecular consequence: frameshift variant.
Genome position (GRCh38, 1-based): chr3:52,322,613, C deleted; the last of 4 consecutive C bases (chr3:52,322,610-52,322,613); deleting any one gives the same sequence. VCF-style (leftmost placement, unchanged base first): chr3-52322609-AC-A. GRCh37 (hg19) VCF-style: chr3-52356625-AC-A.
Other names: short protein forms K58fs.
Identifiers: ClinVar variation 2418996 (VCV002418996.7), dbSNP rs777765506, ClinGen allele CA2432568.